The following is an entry in ClinVar:

ClinVar aggregate classification (germline): Conflicting classifications of pathogenicity. Review status: criteria provided, conflicting classifications (1 of 4 stars). 3 submissions from 3 submitters: Uncertain significance (2); Likely benign (1). Last evaluated 2025-08-06.

Conditions:
Hereditary breast ovarian cancer syndrome. Also called: Hereditary breast and ovarian cancer; Hereditary breast and/or ovarian cancer syndrome; BRCA1- and BRCA2-Associated Hereditary Breast and Ovarian Cancer; Hereditary breast and ovarian cancer syndrome; Hereditary breast and ovarian cancer syndrome (HBOC); Breast and ovarian cancer. Identifiers: Orphanet 145, MedGen C0677776, MeSH D061325, MONDO:0003582. Disease mechanism: loss of function.
Hereditary cancer-predisposing syndrome. Also called: Tumor predisposition; Hereditary Cancer Syndrome; Hereditary neoplastic syndrome; Neoplastic Syndromes, Hereditary. Identifiers: Orphanet 140162, MedGen C0027672, MeSH D009386, MONDO:0015356.

Submissions (3):

Labcorp Genetics (formerly Invitae), Labcorp
Classification: Uncertain significance for Hereditary breast ovarian cancer syndrome. Last evaluated: 2025-08-06. Review status: criteria provided, single submitter. Criteria: Invitae Variant Classification Sherloc (09022015). Collection method: clinical testing. Allele origin: germline.
Comment: This sequence change replaces serine, which is neutral and polar, with arginine, which is basic and polar, at codon 2922 of the BRCA2 protein (p.Ser2922Arg). This variant is not present in population databases (gnomAD no frequency). This variant has not been reported in the literature in individuals affected with BRCA2-related conditions. ClinVar contains an entry for this variant (Variation ID: 409608). Invitae Evidence Modeling of protein sequence and biophysical properties (such as structural, functional, and spatial information, amino acid conservation, physicochemical variation, residue mobility, and thermodynamic stability) indicates that this missense variant is not expected to disrupt BRCA2 protein function with a negative predictive value of 95%. In summary, the available evidence is currently insufficient to determine the role of this variant in disease. Therefore, it has been classified as a Variant of Uncertain Significance.

Ambry Genetics
Classification: Likely benign for Hereditary cancer-predisposing syndrome. Last evaluated: 2022-01-11. Review status: criteria provided, single submitter. Criteria: Ambry Variant Classification Scheme 2023. Collection method: clinical testing. Allele origin: germline.

Color Diagnostics, LLC DBA Color Health
Classification: Uncertain significance for Hereditary cancer-predisposing syndrome. Last evaluated: 2019-04-20. Review status: criteria provided, single submitter. Criteria: ACMG Guidelines, 2015. Collection method: clinical testing. Allele origin: germline.

Literature cited by the submitters: PubMed 32444794 (cited by Ambry Genetics).

NM_000059.4(BRCA2):c.8766T>G (p.Ser2922Arg)

Gene: BRCA2 (BRCA2 DNA repair associated; plus strand). Cytogenetic location: 13q13.1.
Variant type: single nucleotide variant.
Coding change: c.8766T>G on transcript NM_000059.4 (MANE Select); coding-DNA position 8766, T replaced by G.
Protein change: p.Ser2922Arg; replaces serine 2922 with arginine.
Molecular consequence: missense variant.
Genome position (GRCh38, 1-based): chr13:32,379,328, T>G. VCF-style: chr13-32379328-T-G. GRCh37 (hg19) VCF-style: chr13-32953465-T-G.
Other names: short protein forms S2922R.
Identifiers: ClinVar variation 409608 (VCV000409608.16), dbSNP rs1060502497, ClinGen allele CA16614020.